The following is an entry in ClinVar:

NM_014989.7(RIMS1):c.*2125G>C

Gene: RIMS1 (regulating synaptic membrane exocytosis 1; plus strand). Cytogenetic location: 6q13.
Variant type: single nucleotide variant.
Coding change: c.*2125G>C on transcript NM_014989.7 (MANE Select); 2125 bases downstream of the stop codon, G replaced by C.
Molecular consequence: 3 prime UTR variant.
Genome position (GRCh38, 1-based): chr6:72,402,839, G>C. VCF-style: chr6-72402839-G-C. GRCh37 (hg19) VCF-style: chr6-73112541-G-C.
Other names: c.*2125G>C (NM_001168407.2, NM_001168408.2, NM_001168409.2 and 60 more transcripts).
Identifiers: ClinVar variation 357893 (VCV000357893.5), dbSNP rs138055062, ClinGen allele CA10627523.

ClinVar aggregate classification (germline): Benign (1 of 4 stars; one submission).

Conditions:
Cone-rod dystrophy 7 (CORD7). Identifiers: Orphanet 1872, MedGen C1863634, MONDO:0011355, OMIM 603649.

Allele frequency attached by ClinVar (database versions not stated): 1000 Genomes Project 0.00359; gnomAD 0.00450 and 0.00491; TOPMed 0.00490; 1000 Genomes Project 30x 0.00359.

Submission:

Illumina Laboratory Services, Illumina
Classification: Benign for Cone-rod dystrophy 7. Last evaluated: 2018-01-13. Review status: criteria provided, single submitter. Criteria: ICSL Variant Classification Criteria 13 December 2019. Collection method: clinical testing. Allele origin: germline.
Comment: This variant was observed in the ICSL laboratory as part of a predisposition screen in an ostensibly healthy population. It had not been previously curated by ICSL or reported in the Human Gene Mutation Database (HGMD: prior to June 1st, 2018), and was therefore a candidate for classification through an automated scoring system. Utilizing variant allele frequency, disease prevalence and penetrance estimates, and inheritance mode, an automated score was calculated to assess if this variant is too frequent to cause the disease. Based on the score and internal cut-off values, a variant classified as benign is not then subjected to further curation. The score for this variant resulted in a classification of benign for this disease.